The following is an entry in ClinVar:

NM_001163435.3(TBCK):c.50C>T (p.Ser17Leu)

Gene: TBCK (TBC1 domain containing kinase; minus strand). Cytogenetic location: 4q24.
Variant type: single nucleotide variant.
Coding change: c.50C>T on transcript NM_001163435.3 (MANE Select); coding-DNA position 50, C replaced by T.
Protein change: p.Ser17Leu; replaces serine 17 with leucine.
Molecular consequence: missense variant. On other transcripts: 5 prime UTR variant (1).
Genome position (GRCh38, 1-based): chr4:106,308,911, G>A on the plus strand (C>T on the coding strand, the complement: TBCK is on the minus strand). VCF-style: chr4-106308911-G-A. GRCh37 (hg19) VCF-style: chr4-107230068-G-A.
Other names: c.50C>T, p.Ser17Leu (NM_001163436.4, NM_001163437.3, NM_033115.5); c.-568C>T (NM_001290768.2); short protein forms S17L.
Identifiers: ClinVar variation 2162700 (VCV002162700.1), dbSNP rs777161111, ClinGen allele CA3035552.
Genomic context (GRCh38, chr4:106,308,911, plus strand): 5'-TTGATGGAATTTGGTGTGAGAGGAAGTCCATTGCTTCCACAAACATCATGTGGCAGAGCC[G>A]AGGCAAAGAAGGTAAAGGCTCCCATTTCAGCGTCCTTCAGGGGAAACATTTTTGGAGTCC-3'
Protein context (NP_001156907.2, residues 7-27): AEMGAFTFFA[Ser17Leu]ALPHDVCGSN

ClinVar aggregate classification (germline): Uncertain significance (1 of 4 stars; one submission).

Allele frequency attached by ClinVar (database versions not stated): gnomAD 0.00001; gnomAD exomes 0.00001; ExAC 0.00002.
gnomAD v4.1: 21 of 1,613,998 alleles (0.0013%); highest among the groups gnomAD compares: South Asian, 0.0033%; no homozygotes.

Submission:

Labcorp Genetics (formerly Invitae), Labcorp
Classification: Uncertain significance. Last evaluated: 2022-05-17. Review status: criteria provided, single submitter. Criteria: Invitae Variant Classification Sherloc (09022015). Collection method: clinical testing. Allele origin: germline.
Comment: This sequence change replaces serine, which is neutral and polar, with leucine, which is neutral and non-polar, at codon 17 of the TBCK protein (p.Ser17Leu). The frequency data for this variant in the population databases is considered unreliable, as metrics indicate poor data quality at this position in the gnomAD database. This variant has not been reported in the literature in individuals affected with TBCK-related conditions. Algorithms developed to predict the effect of missense changes on protein structure and function are either unavailable or do not agree on the potential impact of this missense change (SIFT: "Tolerated"; PolyPhen-2: "Possibly Damaging"; Align-GVGD: "Class C0"). In summary, the available evidence is currently insufficient to determine the role of this variant in disease. Therefore, it has been classified as a Variant of Uncertain Significance.